The following is an entry in ClinVar:

ClinVar aggregate classification (germline): Uncertain significance. Review status: criteria provided, multiple submitters, no conflicts (2 of 4 stars). 2 submissions from 2 submitters: Uncertain significance (2). Last evaluated 2026-01-27.

Allele frequency attached by ClinVar (database versions not stated): ESP Exome Variant Server 0.00008.
gnomAD v4.1: 67 of 1,613,996 alleles (0.0042%); highest among the groups gnomAD compares: African/African-American, 0.08%; no homozygotes.

Submissions (2):

Labcorp Genetics (formerly Invitae), Labcorp
Classification: Uncertain significance. Last evaluated: 2026-01-27. Review status: criteria provided, single submitter. Criteria: Invitae Variant Classification Sherloc (09022015). Collection method: clinical testing. Allele origin: germline.
Comment: This sequence change replaces valine, which is neutral and non-polar, with phenylalanine, which is neutral and non-polar, at codon 1150 of the KANK1 protein (p.Val1150Phe). This variant is present in population databases (rs367609791, gnomAD 0.09%), and has an allele count higher than expected for a pathogenic variant. This variant has not been reported in the literature in individuals affected with KANK1-related conditions. ClinVar contains an entry for this variant (Variation ID: 2068306). Invitae Evidence Modeling of protein sequence and biophysical properties (such as structural, functional, and spatial information, amino acid conservation, physicochemical variation, residue mobility, and thermodynamic stability) indicates that this missense variant is expected to disrupt KANK1 protein function with a positive predictive value of 80%. In summary, the available evidence is currently insufficient to determine the role of this variant in disease. Therefore, it has been classified as a Variant of Uncertain Significance.

Ambry Genetics
Classification: Uncertain significance. Last evaluated: 2023-04-07. Review status: criteria provided, single submitter. Criteria: Ambry Variant Classification Scheme 2023. Collection method: clinical testing. Allele origin: germline.

NM_015158.5(KANK1):c.3448G>T (p.Val1150Phe)

Genes: KANK1 (KN motif and ankyrin repeat domains 1; plus strand), LOC126860554 (MED14-independent group 3 enhancer GRCh37_chr9:737889-739088; plus strand). Cytogenetic location: 9p24.3.
Variant type: single nucleotide variant.
Coding change: c.3448G>T on transcript NM_015158.5 (MANE Select); coding-DNA position 3448, G replaced by T.
Protein change: p.Val1150Phe; replaces valine 1150 with phenylalanine.
Molecular consequence: missense variant. On other transcripts: non-coding transcript variant (1).
Genome position (GRCh38, 1-based): chr9:738,399, G>T. VCF-style: chr9-738399-G-T. GRCh37 (hg19) VCF-style: chr9-738399-G-T.
Other names: c.3448G>T, p.Val1150Phe (NM_001256876.3, NM_001256877.3, NM_001354334.2); c.3208G>T, p.Val1070Phe (NM_001354331.2); c.3394G>T, p.Val1132Phe (NM_001354332.2); c.2974G>T, p.Val992Phe (NM_001354333.2, NM_001354335.2, NM_001354337.2 and 2 more transcripts); c.2680G>T, p.Val894Phe (NM_001354336.2); c.2920G>T, p.Val974Phe (NM_001354338.2, NM_001354340.2, NM_001354344.2); c.2734G>T, p.Val912Phe (NM_001354339.2, NM_001354342.2, NM_001354343.2); c.3448G>T (NM_015158.2); short protein forms V894F, V912F, V992F, V974F, V1070F, V1132F, V1150F.
Identifiers: ClinVar variation 2068306 (VCV002068306.6), dbSNP rs367609791, ClinGen allele CA4960961.